The following is an entry in ClinVar:

NM_000135.4(FANCA):c.1691T>A (p.Ile564Asn)

Gene: FANCA (FA complementation group A; minus strand). Cytogenetic location: 16q24.3.
Variant type: single nucleotide variant.
Coding change: c.1691T>A on transcript NM_000135.4 (MANE Select); coding-DNA position 1691, T replaced by A.
Protein change: p.Ile564Asn; replaces isoleucine 564 with asparagine.
Molecular consequence: missense variant.
Genome position (GRCh38, 1-based): chr16:89,779,893, A>T on the plus strand (T>A on the coding strand, the complement: FANCA is on the minus strand). VCF-style: chr16-89779893-A-T. GRCh37 (hg19) VCF-style: chr16-89846301-A-T.
Other names: c.1691T>A, p.Ile564Asn (NM_001286167.3); short protein forms I564N.
Identifiers: ClinVar variation 2265414 (VCV002265414.4), dbSNP rs769842591, ClinGen allele CA8252169.
Genomic context (GRCh38, chr16:89,779,893, plus strand): 5'-GCAGCTGCTAGAGGCCTTTTCGGCAGCCCAGCCTACCTGGCCTCCATGACGGTGACTGGG[A>T]TGTTCCCCGTATGCTCAAACACCATGATGGCCTTTTCAACATCCTGAAGAGCTTGGCTGT-3'
Protein context (NP_000126.2, residues 554-574): AIMVFEHTGN[Ile564Asn]PVTVMEASIF

ClinVar aggregate classification (germline): Uncertain significance (1 of 4 stars; one submission).

Conditions:
Inborn genetic diseases. Identifiers: MedGen C0950123, MeSH D030342.

Allele frequency attached by ClinVar (database versions not stated): ExAC 0.00003; gnomAD 0.00001; gnomAD exomes 0.00002.
gnomAD v4.1: 26 of 1,613,832 alleles (0.0016%); highest among the groups gnomAD compares: South Asian, 0.027%; no homozygotes.

Submission:

Ambry Genetics
Classification: Uncertain significance for Inborn genetic diseases. Last evaluated: 2025-10-01. Review status: criteria provided, single submitter. Criteria: Ambry Variant Classification Scheme 2023. Collection method: clinical testing. Allele origin: germline.
Comment: The p.I564N variant (also known as c.1691T>A), located in coding exon 18 of the FANCA gene, results from a T to A substitution at nucleotide position 1691. The isoleucine at codon 564 is replaced by asparagine, an amino acid with dissimilar properties. This amino acid position is conserved. In addition, this alteration is predicted to be deleterious by in silico analysis. Based on the available evidence, the clinical significance of this variant remains unclear.